The following is an entry in ClinVar:

ClinVar aggregate classification (germline): Likely pathogenic (1 of 4 stars; one submission).

Conditions:
Joubert syndrome. Also called: JOUBERT-BOLTSHAUSER SYNDROME; Familial aplasia of the vermis. Identifiers: Orphanet 475, MedGen C5979921, MONDO:0018772.
Meckel-Gruber syndrome. Also called: DYSENCEPHALIA SPLANCHNOCYSTICA; GRUBER SYNDROME; Dysencephalia splachnocystica. Identifiers: Orphanet 564, MedGen C0265215, MONDO:0018921.

Submission:

Labcorp Genetics (formerly Invitae), Labcorp
Classification: Likely pathogenic for Joubert syndrome; Meckel-Gruber syndrome. Last evaluated: 2023-02-26. Review status: criteria provided, single submitter. Criteria: Invitae Variant Classification Sherloc (09022015). Collection method: clinical testing. Allele origin: germline.
Comment: This sequence change affects an acceptor splice site in intron 16 of the CC2D2A gene. It is expected to disrupt RNA splicing. Variants that disrupt the donor or acceptor splice site typically lead to a loss of protein function (PMID: 16199547), and loss-of-function variants in CC2D2A are known to be pathogenic (PMID: 19777577). This variant is not present in population databases (gnomAD no frequency). This variant has not been reported in the literature in individuals affected with CC2D2A-related conditions. Algorithms developed to predict the effect of sequence changes on RNA splicing suggest that this variant may disrupt the consensus splice site. In summary, the currently available evidence indicates that the variant is pathogenic, but additional data are needed to prove that conclusively. Therefore, this variant has been classified as Likely Pathogenic.

Literature cited by the submitters: PubMed 16199547; PubMed 19777577.

NM_001378615.1(CC2D2A):c.1765-1G>C

Genes: CC2D2A (coiled-coil and C2 domain containing 2A; plus strand), FBXL5 (F-box and leucine rich repeat protein 5; minus strand). Cytogenetic location: 4p15.32.
Variant type: single nucleotide variant.
Coding change: c.1765-1G>C on transcript NM_001378615.1 (MANE Select); the canonical splice acceptor site of the intron before coding-DNA position 1765, G replaced by C.
Molecular consequence: splice acceptor variant.
Genome position (GRCh38, 1-based): chr4:15,537,898, G>C. VCF-style: chr4-15537898-G-C. GRCh37 (hg19) VCF-style: chr4-15539521-G-C.
Other names: c.1765-1G>C (NM_001080522.2); c.1618-1G>C (NM_001378617.1).
Identifiers: ClinVar variation 2944737 (VCV002944737.3), dbSNP rs2474978321, ClinGen allele CA356411524.